The following is an entry in ClinVar:

ClinVar aggregate classification (germline): Conflicting classifications of pathogenicity. Review status: criteria provided, conflicting classifications (1 of 4 stars). 3 submissions from 3 submitters: Uncertain significance (2); Likely benign (1). Last evaluated 2026-02-19.

Conditions:
Inborn genetic diseases. Identifiers: MedGen C0950123, MeSH D030342.
Combined oxidative phosphorylation defect type 17. Also called: Combined oxidative phosphorylation deficiency 17. Identifiers: Orphanet 369913, MedGen C3809526, MONDO:0014190, OMIM 615440.

Allele frequency attached by ClinVar (database versions not stated): gnomAD 0.00001; gnomAD exomes 0.00004; ExAC 0.00007.
gnomAD v4.1: 24 of 1,606,804 alleles (0.0015%); highest among the groups gnomAD compares: South Asian, 0.027%; no homozygotes.

Submissions (3):

Centre for Medical Genetics,  Mumbai
Classification: Likely benign for Combined oxidative phosphorylation defect type 17. Last evaluated: 2026-02-19. Review status: criteria provided, single submitter. Criteria: ACMG Guidelines, 2015. Collection method: provider interpretation. Allele origin: germline. Inheritance: Autosomal recessive inheritance. Affected: no. Observed: 1 homozygote.
Comment: The variant satisfies PM2 criteria; Extremely low frequency in gnomAD population databases. The variant satisfies BP4 criteria; For a missense or a splice region variant, computational prediction tools unanimously support a benign effect on the gene. However, the variant satisfies BS2 criteria; present in homozygous state in an individual that clinically does not have Combined oxidative phosphorylation deficiency 17.

Ambry Genetics
Classification: Uncertain significance for Inborn genetic diseases. Last evaluated: 2025-11-23. Review status: criteria provided, single submitter. Criteria: Ambry Variant Classification Scheme 2023. Collection method: clinical testing. Allele origin: germline.

Labcorp Genetics (formerly Invitae), Labcorp
Classification: Uncertain significance for Combined oxidative phosphorylation defect type 17. Last evaluated: 2024-10-03. Review status: criteria provided, single submitter. Criteria: Invitae Variant Classification Sherloc (09022015). Collection method: clinical testing. Allele origin: germline.
Comment: This sequence change replaces cysteine, which is neutral and slightly polar, with phenylalanine, which is neutral and non-polar, at codon 51 of the ELAC2 protein (p.Cys51Phe). This variant is present in population databases (rs777786097, gnomAD 0.03%). This variant has not been reported in the literature in individuals affected with ELAC2-related conditions. ClinVar contains an entry for this variant (Variation ID: 1512594). An algorithm developed to predict the effect of missense changes on protein structure and function (PolyPhen-2) suggests that this variant¬†is likely to be tolerated. In summary, the available evidence is currently insufficient to determine the role of this variant in disease. Therefore, it has been classified as a Variant of Uncertain Significance.

Literature cited by the submitters: PubMed 23849775 (cited by Centre for Medical Genetics,  Mumbai).

NM_018127.7(ELAC2):c.152G>T (p.Cys51Phe)

Gene: ELAC2 (elaC ribonuclease Z 2; minus strand). Cytogenetic location: 17p12.
Variant type: single nucleotide variant.
Coding change: c.152G>T on transcript NM_018127.7 (MANE Select); coding-DNA position 152, G replaced by T.
Protein change: p.Cys51Phe; replaces cysteine 51 with phenylalanine.
Molecular consequence: missense variant.
Genome position (GRCh38, 1-based): chr17:13,017,796, C>A on the plus strand (G>T on the coding strand, the complement: ELAC2 is on the minus strand). VCF-style: chr17-13017796-C-A. GRCh37 (hg19) VCF-style: chr17-12921113-C-A.
Other names: c.152G>T, p.Cys51Phe (NM_001165962.2, NM_173717.2); c.152G>T (NM_018127.6); short protein forms C51F.
Identifiers: ClinVar variation 1512594 (VCV001512594.9), dbSNP rs777786097, ClinGen allele CA8401828.